The following is an entry in ClinVar:

ClinVar aggregate classification (germline): Uncertain significance (0 of 4 stars; one submission).

Conditions:
PLXNA1-related disorder. Also called: PLXNA1-related condition.

Allele frequency attached by ClinVar (database versions not stated): gnomAD exomes below 0.00001; ExAC 0.00001; TOPMed 0.00003.
gnomAD v4.1: 7 of 1,613,790 alleles (0.00043%); highest among the groups gnomAD compares: African/African-American, 0.0013%; no homozygotes.

Submission:

PreventionGenetics, part of Exact Sciences
Classification: Uncertain significance for PLXNA1-related condition. Last evaluated: 2024-07-11. Review status: no assertion criteria provided. Collection method: clinical testing. Allele origin: germline.
Comment: The PLXNA1 c.1929G>C variant is predicted to result in the amino acid substitution p.Lys643Asn. To our knowledge, this variant has not been reported in the literature. This variant is reported in 0.0018% of alleles in individuals of European (Non-Finnish) descent in gnomAD. At this time, the clinical significance of this variant is uncertain due to the absence of conclusive functional and genetic evidence.

NM_032242.4(PLXNA1):c.1929G>C (p.Lys643Asn)

Gene: PLXNA1 (plexin A1; plus strand). Cytogenetic location: 3q21.3.
Variant type: single nucleotide variant.
Coding change: c.1929G>C on transcript NM_032242.4 (MANE Select); coding-DNA position 1929, G replaced by C.
Protein change: p.Lys643Asn; replaces lysine 643 with asparagine.
Molecular consequence: missense variant.
Genome position (GRCh38, 1-based): chr3:127,006,110, G>C. VCF-style: chr3-127006110-G-C. GRCh37 (hg19) VCF-style: chr3-126724953-G-C.
Other names: short protein forms K643N.
Identifiers: ClinVar variation 2629533 (VCV002629533.2), dbSNP rs774174563, ClinGen allele CA2593434.